The following is an entry in ClinVar:

ClinVar aggregate classification (germline): Conflicting classifications of pathogenicity. Review status: criteria provided, conflicting classifications (1 of 4 stars). 3 submissions from 3 submitters: Uncertain significance (2); Likely benign (1). Last evaluated 2024-01-31.

Conditions:
Inborn genetic diseases. Identifiers: MedGen C0950123, MeSH D030342.
Congenital myasthenic syndrome 8. Also called: MYASTHENIC SYNDROME, CONGENITAL, DUE TO AGRIN DEFICIENCY; Myasthenic syndrome, congenital, 8, with pre- and postsynaptic defects. Identifiers: Orphanet 590, MedGen C3808739, MONDO:0014052, OMIM 615120.

Allele frequency attached by ClinVar (database versions not stated): gnomAD exomes 0.00001; TOPMed 0.00002.
gnomAD v4.1: 17 of 1,612,514 alleles (0.0011%); highest among the groups gnomAD compares: Admixed American, 0.0017%; no homozygotes.

Submissions (3):

Ambry Genetics
Classification: Likely benign for Inborn genetic diseases. Last evaluated: 2024-01-31. Review status: criteria provided, single submitter. Criteria: Ambry Variant Classification Scheme 2023. Collection method: clinical testing. Allele origin: germline.

Labcorp Genetics (formerly Invitae), Labcorp
Classification: Uncertain significance for Congenital myasthenic syndrome 8. Last evaluated: 2021-08-27. Review status: criteria provided, single submitter. Criteria: Invitae Variant Classification Sherloc (09022015). Collection method: clinical testing. Allele origin: germline.
Comment: This sequence change replaces proline with leucine at codon 759 of the AGRN protein (p.Pro759Leu). The proline residue is weakly conserved and there is a moderate physicochemical difference between proline and leucine. This variant is not present in population databases (ExAC no frequency). This variant has not been reported in the literature in individuals affected with AGRN-related conditions. Algorithms developed to predict the effect of missense changes on protein structure and function (SIFT, PolyPhen-2, Align-GVGD) all suggest that this variant is likely to be tolerated. In summary, the available evidence is currently insufficient to determine the role of this variant in disease. Therefore, it has been classified as a Variant of Uncertain Significance.

Revvity Omics, Revvity
Classification: Uncertain significance for Congenital myasthenic syndrome 8. Last evaluated: 2020-03-16. Review status: criteria provided, single submitter. Criteria: ACMG Guidelines, 2015. Collection method: clinical testing. Allele origin: germline.

NM_198576.4(AGRN):c.2276C>T (p.Pro759Leu)

Gene: AGRN (agrin; plus strand). Cytogenetic location: 1p36.33.
Variant type: single nucleotide variant.
Coding change: c.2276C>T on transcript NM_198576.4 (MANE Select); coding-DNA position 2276, C replaced by T.
Protein change: p.Pro759Leu; replaces proline 759 with leucine.
Molecular consequence: missense variant.
Genome position (GRCh38, 1-based): chr1:1,045,182, C>T. VCF-style: chr1-1045182-C-T. GRCh37 (hg19) VCF-style: chr1-980562-C-T.
Other names: c.2276C>T, p.Pro759Leu (NM_001305275.2); c.1961C>T, p.Pro654Leu (NM_001364727.2); short protein forms P759L, P654L.
Identifiers: ClinVar variation 574242 (VCV000574242.9), dbSNP rs1214623286, ClinGen allele CA337838455.